The following is an entry in ClinVar:

ClinVar aggregate classification (germline): Likely benign. Review status: criteria provided, multiple submitters, no conflicts (2 of 4 stars). 3 submissions from 3 submitters: Likely benign (2). 1 of the submissions does not count toward it. Last evaluated 2025-11-24.

Conditions:
GAA-related disorder. Also called: GAA-related condition.
Glycogen storage disease, type II (IOPD). Also called: POMPE DISEASE, INFANTILE-ONSET; GLYCOGEN STORAGE DISEASE II, INFANTILE-ONSET; ACID ALPHA-GLUCOSIDASE DEFICIENCY, INFANTILE-ONSET; GAA DEFICIENCY, INFANTILE-ONSET; ACID MALTASE DEFICIENCY, INFANTILE-ONSET; Glycogen storage disease type 2. Identifiers: Orphanet 365, MedGen C0017921, MONDO:0009290, OMIM 232300.

Allele frequency attached by ClinVar (database versions not stated): gnomAD exomes below 0.00001 and 0.00001; TOPMed below 0.00001; ExAC 0.00002.
gnomAD v4.1: 6 of 1,613,952 alleles (0.00037%); highest among the groups gnomAD compares: African/African-American, 0.0013%; no homozygotes.

Submissions (3):

Labcorp Genetics (formerly Invitae), Labcorp
Classification: Likely benign for Glycogen storage disease, type II. Last evaluated: 2025-11-24. Review status: criteria provided, single submitter. Criteria: Invitae Variant Classification Sherloc (09022015). Collection method: clinical testing. Allele origin: germline.

CeGaT Center for Human Genetics Tuebingen
Classification: Likely benign. Last evaluated: 2025-02-01. Review status: criteria provided, single submitter. Criteria: CeGaT Center For Human Genetics Tuebingen Variant Classification Criteria Version 2. Collection method: clinical testing. Allele origin: germline. Affected: yes. Observed: 1 variant allele.
Comment: GAA: BP4, BP7

PreventionGenetics, part of Exact Sciences
Classification: Likely benign for GAA-related condition. Last evaluated: 2021-02-02. Review status: no assertion criteria provided. Collection method: clinical testing. Allele origin: germline. Not counted in ClinVar's aggregate classification.
Comment: This variant is classified as likely benign based on ACMG/AMP sequence variant interpretation guidelines (Richards et al. 2015 PMID: 25741868, with internal and published modifications).

NM_000152.5(GAA):c.2844C>T (p.Leu948=)

Gene: GAA (alpha glucosidase; plus strand). Cytogenetic location: 17q25.3.
Variant type: single nucleotide variant.
Coding change: c.2844C>T on transcript NM_000152.5 (MANE Select); coding-DNA position 2844, C replaced by T.
Protein change: p.Leu948=; no amino-acid change (leucine 948 retained).
Molecular consequence: synonymous variant.
Genome position (GRCh38, 1-based): chr17:80,119,316, C>T. VCF-style: chr17-80119316-C-T. GRCh37 (hg19) VCF-style: chr17-78093115-C-T.
Other names: c.2844C>T, p.Leu948= (NM_001079803.3, NM_001079804.3); c.2844C>T (NM_000152.4).
Identifiers: ClinVar variation 1613562 (VCV001613562.23), dbSNP rs774656713, ClinGen allele CA8815890.